The following is an entry in ClinVar:

ClinVar aggregate classification (germline): Uncertain significance (1 of 4 stars; one submission).

gnomAD v4.1: 7 of 1,614,200 alleles (0.00043%); highest among the groups gnomAD compares: Middle Eastern, 0.016%; no homozygotes.

Submission:

Labcorp Genetics (formerly Invitae), Labcorp
Classification: Uncertain significance. Last evaluated: 2022-07-15. Review status: criteria provided, single submitter. Criteria: Invitae Variant Classification Sherloc (09022015). Collection method: clinical testing. Allele origin: germline.
Comment: This sequence change replaces asparagine, which is neutral and polar, with serine, which is neutral and polar, at codon 704 of the ARFGEF2 protein (p.Asn704Ser). This variant is present in population databases (no rsID available, gnomAD 0.003%). This variant has not been reported in the literature in individuals affected with ARFGEF2-related conditions. Algorithms developed to predict the effect of missense changes on protein structure and function (SIFT, PolyPhen-2, Align-GVGD) all suggest that this variant is likely to be tolerated. In summary, the available evidence is currently insufficient to determine the role of this variant in disease. Therefore, it has been classified as a Variant of Uncertain Significance.

NM_006420.3(ARFGEF2):c.2111A>G (p.Asn704Ser)

Gene: ARFGEF2 (ARF guanine nucleotide exchange factor 2; plus strand). Cytogenetic location: 20q13.13.
Variant type: single nucleotide variant.
Coding change: c.2111A>G on transcript NM_006420.3 (MANE Select); coding-DNA position 2111, A replaced by G.
Protein change: p.Asn704Ser; replaces asparagine 704 with serine.
Molecular consequence: missense variant.
Genome position (GRCh38, 1-based): chr20:48,985,448, A>G. VCF-style: chr20-48985448-A-G. GRCh37 (hg19) VCF-style: chr20-47601985-A-G.
Other names: c.2108A>G, p.Asn703Ser (NM_001410846.1); short protein forms N703S, N704S.
Identifiers: ClinVar variation 1918870 (VCV001918870.2), dbSNP rs764311308, ClinGen allele CA409304401.